The following is an entry in ClinVar:

ClinVar aggregate classification (germline): Likely pathogenic (1 of 4 stars; one submission).

Submission:

Labcorp Genetics (formerly Invitae), Labcorp
Classification: Likely pathogenic. Last evaluated: 2023-05-20. Review status: criteria provided, single submitter. Criteria: Invitae Variant Classification Sherloc (09022015). Collection method: clinical testing. Allele origin: germline.
Comment: This variant has not been reported in the literature in individuals affected with COL2A1-related conditions. This variant is not present in population databases (gnomAD no frequency). This sequence change affects a splice site in intron 4 of the COL2A1 gene. It is expected to disrupt RNA splicing. Variants that disrupt the donor or acceptor splice site typically lead to a loss of protein function (PMID: 16199547), and loss-of-function variants in COL2A1 are known to be pathogenic (PMID: 20179744). Algorithms developed to predict the effect of sequence changes on RNA splicing suggest that this variant may disrupt the consensus splice site. In summary, the currently available evidence indicates that the variant is pathogenic, but additional data are needed to prove that conclusively. Therefore, this variant has been classified as Likely Pathogenic.

Literature cited by the submitters: PubMed 16199547; PubMed 20179744.

NM_001844.5(COL2A1):c.342+2_342+7del

Gene: COL2A1 (collagen type II alpha 1 chain; minus strand). Cytogenetic location: 12q13.11.
Variant type: Deletion.
Coding change: c.342+2_342+7del on transcript NM_001844.5 (MANE Select); the canonical splice donor site of the intron after coding-DNA position 342 through 7 bases into the intron after coding-DNA position 342, 6 bases deleted (TAAGTG; older notation c.342+2_342+7delTAAGTG).
Molecular consequence: splice donor variant.
Genome position (GRCh38, 1-based): chr12:47,998,162-47,998,167, CACTTA deleted on the plus strand (TAAGTG on the coding strand, the reverse complement: COL2A1 is on the minus strand); deleting any 6 consecutive bases within chr12:47,998,162-47,998,169 gives the same sequence; the c. name uses the placement nearest the transcript's 3' end. VCF-style (leftmost placement, unchanged base first): chr12-47998161-GCACTTA-G. GRCh37 (hg19) VCF-style: chr12-48391944-GCACTTA-G.
Other names: c.135+2_135+7del (NM_033150.3).
Identifiers: ClinVar variation 2866476 (VCV002866476.3), dbSNP rs2540182684, ClinGen allele CA2739271960.